The following is an entry in ClinVar:

ClinVar aggregate classification (germline): Likely pathogenic. Review status: criteria provided, multiple submitters, no conflicts (2 of 4 stars). 4 submissions from 4 submitters: Likely pathogenic (3). 1 of the submissions does not count toward it. Last evaluated 2025-06-04.

Conditions:
Tay-Sachs disease (TSD). Also called: HEXA Disorders; HEXA DEFICIENCY; Hexosaminidase A Deficiency; GM2 gangliosidosis, type 1; Hexosaminidase alpha-subunit deficiency (variant B); Sphingolipidosis, Tay-Sachs. Identifiers: Orphanet 845, MedGen C0039373, MONDO:0010100, OMIM 272800.

Submissions (4):

Myriad Genetics, Inc.
Classification: Likely pathogenic for Tay-Sachs disease. Last evaluated: 2025-06-04. Review status: criteria provided, single submitter. Criteria: Myriad Autosomal Dominant, Autosomal Recessive and X-Linked Classification Criteria (2023). Collection method: clinical testing. Allele origin: unknown.
Comment: NM_000520.4(HEXA):c.459+2dupT is an intronic variant classified as likely pathogenic in the context of hexosaminidase A deficiency. c.459+2dupT has been observed in a case with relevant disease (PMID: 9090529). Relevant functional assessments of this variant are available in the literature (PMID: 9090529). c.459+2dupT has not been observed in referenced population frequency databases. In summary, NM_000520.4(HEXA):c.459+2dupT is an intronic variant that has functional support for pathogenicity and has been observed more frequently in cases with the relevant disease than in healthy populations. Please note: this variant was assessed in the context of healthy population screening.

Natera, Inc.
Classification: Likely pathogenic for Tay-Sachs disease. Last evaluated: 2025-01-09. Review status: criteria provided, single submitter. Criteria: Natera Variant Classification Schema (03/2026). Collection method: clinical testing. Allele origin: germline.
Comment: The c.459+2dupT variant in HEXA is a canonical splice donor site variant predicted to affect pre-mRNA splicing, which may result in an abnormal transcript and altered protein product. This variant may result in a truncated or dysfunctional protein product. This variant is rare in the general population with a frequency below the threshold expected for the associated phenotype(s). This variant has been observed to segregate in affected family members (PMID: 9090529). Functional studies show that this variant may disrupt protein function (PMID: 9090529). Given the available evidence, this variant is classified as Likely Pathogenic.

Labcorp Genetics (formerly Invitae), Labcorp
Classification: Likely pathogenic for Tay-Sachs disease. Last evaluated: 2024-01-21. Review status: criteria provided, single submitter. Criteria: Invitae Variant Classification Sherloc (09022015). Collection method: clinical testing. Allele origin: germline.
Comment: This sequence change falls in intron 4 of the HEXA gene. It does not directly change the encoded amino acid sequence of the HEXA protein. RNA analysis indicates that this variant induces altered splicing and may result in an absent or disrupted protein product. This variant is not present in population databases (gnomAD no frequency). This variant has been observed in individual(s) with Tay-Sachs disease (PMID: 9090529). It has also been observed to segregate with disease in related individuals. This variant is also known as +3tIVS4. ClinVar contains an entry for this variant (Variation ID: 558071). Variants that disrupt the consensus splice site are a relatively common cause of aberrant splicing (PMID: 17576681, 9536098). Studies have shown that this variant results in skipping of exon 4 and introduces a premature termination codon (PMID: 9090529). The resulting mRNA is expected to undergo nonsense-mediated decay. In summary, the currently available evidence indicates that the variant is pathogenic, but additional data are needed to prove that conclusively. Therefore, this variant has been classified as Likely Pathogenic.

Counsyl
Classification: Likely pathogenic for Tay-Sachs disease. Last evaluated: 2018-04-30. Review status: no assertion criteria provided. Collection method: clinical testing. Allele origin: unknown. Not counted in ClinVar's aggregate classification.

Literature cited by the submitters: PubMed 9090529 (cited by 4 submitters); PubMed 17576681 (cited by Labcorp Genetics (formerly Invitae), Labcorp); PubMed 9536098 (cited by Labcorp Genetics (formerly Invitae), Labcorp).

NM_000520.6(HEXA):c.459+2dup

Gene: HEXA (hexosaminidase subunit alpha; minus strand). Cytogenetic location: 15q23.
Variant type: Duplication.
Coding change: c.459+2dup on transcript NM_000520.6 (MANE Select); the canonical splice donor site of the intron after coding-DNA position 459, one base duplicated (T; older notation c.459+2dupT).
Molecular consequence: splice donor variant.
Genome position (GRCh38, 1-based): chr15:72,353,689, A duplicated on the plus strand (T on the coding strand, the reverse complement: HEXA is on the minus strand). VCF-style (leftmost placement, unchanged base first): chr15-72353688-T-TA. GRCh37 (hg19) VCF-style: chr15-72646029-T-TA.
Other names: c.492+2dup (NM_001318825.2); c.459+2dupT (NM_000520.5).
Identifiers: ClinVar variation 558071 (VCV000558071.7), dbSNP rs1555473138, ClinGen allele CA658824867.